The following is an entry in ClinVar:

ClinVar aggregate classification (germline): Likely pathogenic (1 of 4 stars; one submission).

Conditions:
Severe combined immunodeficiency, autosomal recessive, T cell-negative, B cell-negative, NK cell-positive. Also called: SCID, AR, T-cell negative, B-cell negative, NK cell-positive; Severe combined immunodeficiency due to complete RAG1/2 deficiency; SCID, T CELL-NEGATIVE, B CELL-NEGATIVE, NK CELL-POSITIVE. Identifiers: Orphanet 331206, MedGen C1832322, MONDO:0011086, OMIM 601457.

Submission:

Next Generation Genetic Polyclinic
Classification: Likely pathogenic for Severe combined immunodeficiency, autosomal recessive, T cell-negative, B cell-negative, NK cell-positive. Last evaluated: 2025-03-02. Review status: criteria provided, single submitter. Criteria: ACMG Guidelines, 2015. Collection method: curation. Allele origin: germline. Affected: yes. Observed: 1 variant allele.
Comment: Synonymous variant in RAG1 gene (c.2688G>A; p.Pro896=), located at a critical splice donor site. Predicted to disrupt normal splicing, potentially leading to aberrant transcripts or exon skipping (PVS1). RAG1 is essential for V(D)J recombination, and loss-of-function is a known mechanism in autosomal recessive severe combined immunodeficiency (SCID). Variant absent from population databases (PM2). Reported in a homozygous state in at least one individual with suspected RAG1-related immunodeficiency (PS4). Currently classified as Likely Pathogenic. Meets ACMG criteria: PVS1, PM2, PS4.

Literature cited by the submitters: PubMed 21625022.

NM_000448.3(RAG1):c.2688G>A (p.Trp896Ter)

Gene: RAG1 (recombination activating 1; plus strand). Cytogenetic location: 11p12.
Variant type: single nucleotide variant.
Coding change: c.2688G>A on transcript NM_000448.3 (MANE Select); coding-DNA position 2688, G replaced by A.
Protein change: p.Trp896Ter; replaces tryptophan 896 with a stop codon.
Molecular consequence: nonsense.
Genome position (GRCh38, 1-based): chr11:36,575,992, G>A. VCF-style: chr11-36575992-G-A. GRCh37 (hg19) VCF-style: chr11-36597542-G-A.
Other names: c.2688G>A, p.Trp896Ter (NM_001377277.1, NM_001377278.1, NM_001377279.1 and 1 more transcripts); short protein forms W896*.
Identifiers: ClinVar variation 4071517 (VCV004071517.1).